The following is an entry in ClinVar:

NM_005529.7(HSPG2):c.2747G>A (p.Arg916Gln)

Gene: HSPG2 (heparan sulfate proteoglycan 2; minus strand). Cytogenetic location: 1p36.12.
Variant type: single nucleotide variant.
Coding change: c.2747G>A on transcript NM_005529.7 (MANE Select); coding-DNA position 2747, G replaced by A.
Protein change: p.Arg916Gln; replaces arginine 916 with glutamine.
Molecular consequence: missense variant.
Genome position (GRCh38, 1-based): chr1:21,876,591, C>T on the plus strand (G>A on the coding strand, the complement: HSPG2 is on the minus strand). VCF-style: chr1-21876591-C-T. GRCh37 (hg19) VCF-style: chr1-22203084-C-T.
Other names: c.2747G>A (NM_005529.5); c.2750G>A, p.Arg917Gln (NM_001291860.2); short protein forms R917Q, R916Q.
Identifiers: ClinVar variation 842464 (VCV000842464.10), dbSNP rs369313904, ClinGen allele CA672883.
Genomic context (GRCh38, chr1:21,876,591, plus strand): 5'-GAGCTGGTGCAGTGGCGACTGACACCCATGCAGAAGCACTTGAGGCAGCCATCGGGGTTT[C>T]GGGTACTCAGGTGGAAAGAGCCGTCAGCACATTCATTGCACAAGCGCCCCACCACATTGT-3'
Protein context (NP_005520.4, residues 906-926): CADGSFHLST[Arg916Gln]NPDGCLKCFC

ClinVar aggregate classification (germline): Conflicting classifications of pathogenicity. Review status: criteria provided, conflicting classifications (1 of 4 stars). 3 submissions from 3 submitters: Uncertain significance (2); Likely benign (1). Last evaluated 2025-03-17.

Conditions:
Inborn genetic diseases. Identifiers: MedGen C0950123, MeSH D030342.
Lethal Kniest-like syndrome (DDSH). Also called: Dyssegmental Dysplasia. Identifiers: Orphanet 1865, MedGen C1857100, MONDO:0009140, OMIM 224410.
Schwartz-Jampel syndrome type 1 (SJS1). Also called: MYOTONIC MYOPATHY, DWARFISM, CHONDRODYSTROPHY, AND OCULAR AND FACIAL ABNORMALITIES; CHONDRODYSTROPHIC MYOTONIA. Identifiers: MedGen C4551479, MONDO:0100435, OMIM 255800.

Allele frequency attached by ClinVar (database versions not stated): gnomAD 0.00004 and 0.00005; gnomAD exomes 0.00006 and 0.00010; ESP Exome Variant Server 0.00008; ExAC 0.00009; TOPMed 0.00010; 1000 Genomes Project 30x 0.00016; 1000 Genomes Project 0.00020.
gnomAD v4.1: 99 of 1,614,208 alleles (0.0061%); highest among the groups gnomAD compares: Admixed American, 0.0067%; no homozygotes.

Submissions (3):

Labcorp Genetics (formerly Invitae), Labcorp
Classification: Uncertain significance. Last evaluated: 2025-03-17. Review status: criteria provided, single submitter. Criteria: Invitae Variant Classification Sherloc (09022015). Collection method: clinical testing. Allele origin: germline.
Comment: This sequence change replaces arginine, which is basic and polar, with glutamine, which is neutral and polar, at codon 916 of the HSPG2 protein (p.Arg916Gln). This variant is present in population databases (rs369313904, gnomAD 0.1%). This variant has not been reported in the literature in individuals affected with HSPG2-related conditions. ClinVar contains an entry for this variant (Variation ID: 842464). An algorithm developed to predict the effect of missense changes on protein structure and function outputs the following: PolyPhen-2: "Benign". The glutamine amino acid residue is found in multiple mammalian species, which suggests that this missense change does not adversely affect protein function. In summary, the available evidence is currently insufficient to determine the role of this variant in disease. Therefore, it has been classified as a Variant of Uncertain Significance.

Ambry Genetics
Classification: Likely benign for Inborn genetic diseases. Last evaluated: 2024-11-07. Review status: criteria provided, single submitter. Criteria: Ambry Variant Classification Scheme 2023. Collection method: clinical testing. Allele origin: germline.

Fulgent Genetics
Classification: Uncertain significance for Lethal Kniest-like syndrome; Schwartz-Jampel syndrome type 1. Last evaluated: 2022-02-16. Review status: criteria provided, single submitter. Criteria: ACMG Guidelines, 2015. Collection method: clinical testing. Allele origin: unknown.